The following is an entry in ClinVar:

ClinVar aggregate classification (germline): Uncertain significance (1 of 4 stars; one submission).

Conditions:
Developmental and epileptic encephalopathy, 25 (DEE25). Also called: Developmental and epileptic encephalopathy 25, with amelogenesis imperfecta; Epileptic encephalopathy, early infantile, 25, with amelogenesis imperfecta; Epileptic encephalopathy, early infantile, 25. Identifiers: Orphanet 442835, MedGen C4014621, MONDO:0014392, OMIM 615905.

Allele frequency attached by ClinVar (database versions not stated): ExAC 0.00001; gnomAD 0.00002; TOPMed 0.00003.
gnomAD v4.1: 20 of 1,614,068 alleles (0.0012%); highest among the groups gnomAD compares: African/African-American, 0.0093%; no homozygotes.

Submission:

Labcorp Genetics (formerly Invitae), Labcorp
Classification: Uncertain significance for Developmental and epileptic encephalopathy, 25. Last evaluated: 2024-10-28. Review status: criteria provided, single submitter. Criteria: Invitae Variant Classification Sherloc (09022015). Collection method: clinical testing. Allele origin: germline.
Comment: This sequence change replaces alanine, which is neutral and non-polar, with threonine, which is neutral and polar, at codon 268 of the SLC13A5 protein (p.Ala268Thr). This variant is present in population databases (rs777184227, gnomAD 0.01%). This variant has not been reported in the literature in individuals affected with SLC13A5-related conditions. ClinVar contains an entry for this variant (Variation ID: 958780). Invitae Evidence Modeling of protein sequence and biophysical properties (such as structural, functional, and spatial information, amino acid conservation, physicochemical variation, residue mobility, and thermodynamic stability) indicates that this missense variant is not expected to disrupt SLC13A5 protein function with a negative predictive value of 80%. In summary, the available evidence is currently insufficient to determine the role of this variant in disease. Therefore, it has been classified as a Variant of Uncertain Significance.

NM_177550.5(SLC13A5):c.802G>A (p.Ala268Thr)

Gene: SLC13A5 (solute carrier family 13 member 5; minus strand). Cytogenetic location: 17p13.1.
Variant type: single nucleotide variant.
Coding change: c.802G>A on transcript NM_177550.5 (MANE Select); coding-DNA position 802, G replaced by A.
Protein change: p.Ala268Thr; replaces alanine 268 with threonine.
Molecular consequence: missense variant.
Genome position (GRCh38, 1-based): chr17:6,701,041, C>T on the plus strand (G>A on the coding strand, the complement: SLC13A5 is on the minus strand). VCF-style: chr17-6701041-C-T. GRCh37 (hg19) VCF-style: chr17-6604360-C-T.
Other names: c.802G>A, p.Ala268Thr (NM_001143838.3); c.751G>A, p.Ala251Thr (NM_001284509.2); c.673G>A, p.Ala225Thr (NM_001284510.2); short protein forms A225T, A251T, A268T.
Identifiers: ClinVar variation 958780 (VCV000958780.6), dbSNP rs777184227, ClinGen allele CA8331604.